The following is an entry in ClinVar:

ClinVar aggregate classification (germline): Pathogenic (1 of 4 stars; one submission).

Submission:

Labcorp Genetics (formerly Invitae), Labcorp
Classification: Pathogenic. Last evaluated: 2025-06-12. Review status: criteria provided, single submitter. Criteria: Invitae Variant Classification Sherloc (09022015). Collection method: clinical testing. Allele origin: germline.
Comment: This sequence change creates a premature translational stop signal (p.Phe514Leufs*10) in the MCM3AP gene. It is expected to result in an absent or disrupted protein product. Loss-of-function variants in MCM3AP are known to be pathogenic (PMID: 28633435). This variant is not present in population databases (gnomAD no frequency). This variant has not been reported in the literature in individuals affected with MCM3AP-related conditions. ClinVar contains an entry for this variant (Variation ID: 1959085). For these reasons, this variant has been classified as Pathogenic.

Literature cited by the submitters: PubMed 28633435.

NM_003906.5(MCM3AP):c.1541_1542insA (p.Phe514fs)

Gene: MCM3AP (minichromosome maintenance complex component 3 associated protein; minus strand). Cytogenetic location: 21q22.3.
Variant type: Insertion.
Coding change: c.1541_1542insA on transcript NM_003906.5 (MANE Select); coding-DNA positions 1541 to 1542, A inserted.
Protein change: p.Phe514fs; shifts the reading frame from phenylalanine 514.
Molecular consequence: frameshift variant.
Genome position: GRCh38 VCF-style: chr21-46280118-A-AT. GRCh37 (hg19) VCF-style: chr21-47700032-A-AT.
Other names: short protein forms F514fs.
Identifiers: ClinVar variation 1959085 (VCV001959085.5), dbSNP rs2081312935, ClinGen allele CA2392591395.
Genomic context (GRCh38, chr21:46,280,118, plus strand): 5'-GGGTGCATCCTCTGTGCTCGGGCTGACTTCACCGTCACCTGGTTTCTTCTCCTTCAGGGA[A>AT]AAGGGTTTCTTATTGGGGCCTGTGGACATAGGAGGCAGAAAAGAGTTTATGCAATCACAG-3'